The following is an entry in ClinVar:

NC_000008.10:g.(?_144295143)_(145701139_?)del

Genes: ADCK5 (aarF domain containing kinase 5; plus strand), BOP1 (BOP1 ribosomal biogenesis factor; minus strand), CATSPERQ (catsper channel auxiliary subunit theta; minus strand), CCDC166 (coiled-coil domain containing 166; minus strand), CPSF1 (cleavage and polyadenylation specific factor 1; minus strand) and 49 more. Cytogenetic location: 8q24.3.
Variant type: Deletion.
Identifiers: ClinVar variation 1454990 (VCV001454990.9).

ClinVar aggregate classification (germline): Pathogenic. Review status: criteria provided, single submitter (1 of 4 stars). 2 submissions from 1 submitter: Pathogenic (2). Last evaluated 2022-06-20.

Conditions:
Epidermolysis bullosa simplex with nail dystrophy (EBS5D). Identifiers: MedGen C4225309, MONDO:0014661, OMIM 616487.
Epidermolysis bullosa simplex 5B, with muscular dystrophy (EBS5B). Also called: EPIDERMOLYSIS BULLOSA SIMPLEX AND LIMB-GIRDLE MUSCULAR DYSTROPHY; Epidermolysis bullosa simplex with muscular dystrophy. Identifiers: Orphanet 257, MedGen C2931072, MONDO:0009181, OMIM 226670.
Epidermolysis bullosa simplex, Ogna type (EBS5A). Also called: Pidermolysis bullosa simplex 5A, Ogna type; EPIDERMOLYSIS BULLOSA SIMPLEX 5A, OGNA TYPE. Identifiers: Orphanet 79401, MedGen C0432317, MONDO:0007555, OMIM 131950.
Autosomal recessive limb-girdle muscular dystrophy type 2Q (LGMDR17). Also called: MUSCULAR DYSTROPHY, LIMB-GIRDLE, AUTOSOMAL RECESSIVE 17. Identifiers: Orphanet 254361, MedGen C3150989, MONDO:0013390, OMIM 613723.
Epidermolysis bullosa simplex 5C, with pyloric atresia (EBS5C). Also called: PLEC-Related Epidermolysis Bullosa with Pyloric Atresia; Epidermolysis bullosa simplex with pyloric atresia; PLEC1-Related Epidermolysis Bullosa with Pyloric Atresia. Identifiers: Orphanet 158684, MedGen C2677349, MONDO:0012807, OMIM 612138.
Brown-Vialetto-van Laere syndrome 2. Also called: Riboflavin transporter deficiency type 2; SPINOCEREBELLAR ATAXIA WITH BLINDNESS AND DEAFNESS 2. Identifiers: Orphanet 572543, Orphanet 97229, MedGen C3553538, MONDO:0013867, OMIM 614707.

Submissions (2):

Labcorp Genetics (formerly Invitae), Labcorp
Classification: Pathogenic for Autosomal recessive limb-girdle muscular dystrophy type 2Q; Epidermolysis bullosa simplex, Ogna type; Epidermolysis bullosa simplex with nail dystrophy; Epidermolysis bullosa simplex 5C, with pyloric atresia; Epidermolysis bullosa simplex 5B, with muscular dystrophy. Last evaluated: 2022-06-20. Review status: criteria provided, single submitter. Criteria: Invitae Variant Classification Sherloc (09022015). Collection method: clinical testing. Allele origin: germline.
Comment: For these reasons, this variant has been classified as Pathogenic. This variant has not been reported in the literature in individuals affected with PLEC-related conditions. A gross deletion of the genomic region encompassing the full coding sequence of the PLEC gene has been identified. Loss-of-function variants in PLEC are known to be pathogenic (PMID: 20301336, 20447487, 21109228, 23289980, 28824526). The boundaries of this event are unknown as they extend beyond the assayed region for this gene and therefore may encompass additional genes.

Labcorp Genetics (formerly Invitae), Labcorp
Classification: Pathogenic for Brown-Vialetto-van Laere syndrome 2. Last evaluated: 2022-06-20. Review status: criteria provided, single submitter. Criteria: Invitae Variant Classification Sherloc (09022015). Collection method: clinical testing. Allele origin: germline.
Comment: A gross deletion of the genomic region encompassing the full coding sequence of the SLC52A2 gene has been identified. Loss-of-function variants in SLC52A2 are known to be pathogenic (PMID: 24253200). The boundaries of this event are unknown as they extend beyond the assayed region for this gene and therefore may encompass additional genes. This variant has not been reported in the literature in individuals affected with SLC52A2-related conditions. For these reasons, this variant has been classified as Pathogenic.

Literature cited by the submitters: PubMed 20301336; PubMed 20447487; PubMed 21109228; PubMed 23289980; PubMed 28824526; PubMed 24253200.